The following is an entry in ClinVar:

NM_197968.4(ZMYM2):c.1892C>T (p.Ala631Val)

Gene: ZMYM2 (zinc finger MYM-type containing 2; plus strand). Cytogenetic location: 13q12.11.
Variant type: single nucleotide variant.
Coding change: c.1892C>T on transcript NM_197968.4 (MANE Select); coding-DNA position 1892, C replaced by T.
Protein change: p.Ala631Val; replaces alanine 631 with valine.
Molecular consequence: missense variant. On other transcripts: non-coding transcript variant (1).
Genome position (GRCh38, 1-based): chr13:20,031,359, C>T. VCF-style: chr13-20031359-C-T. GRCh37 (hg19) VCF-style: chr13-20605499-C-T.
Other names: c.1892C>T, p.Ala631Val (NM_001190964.4, NM_001190965.4, NM_001353157.2 and 5 more transcripts); c.1697C>T, p.Ala566Val (NM_001353161.3); c.1631C>T, p.Ala544Val (NM_001353163.2); short protein forms A544V, A566V, A631V.
Identifiers: ClinVar variation 3341447 (VCV003341447.1).
Genomic context (GRCh38, chr13:20,031,359, plus strand): 5'-TCTTTTGTTCTTTGTTTTAGGCTCTAAGTATGCAGTCATCTCCAAATGGCCAGTTTGTAG[C>T]GCCAAGTGATATTCAGTTGAAATGCAACTACTGCAAAAATTCCTTTTGTTCAAAACCAGA-3'
Protein context (NP_932072.1, residues 621-641): MQSSPNGQFV[Ala631Val]PSDIQLKCNY

ClinVar aggregate classification (germline): Uncertain significance (1 of 4 stars; one submission).

Conditions:
Neurodevelopmental-craniofacial syndrome with variable renal and cardiac abnormalities. Identifiers: MedGen C5561984, MONDO:0859190, OMIM 619522.

gnomAD v4.1: 9 of 1,608,418 alleles (0.00056%); highest among the groups gnomAD compares: Admixed American, 0.0017%; no homozygotes.

Submission:

Neuberg Centre For Genomic Medicine, NCGM
Classification: Uncertain significance for Neurodevelopmental-craniofacial syndrome with variable renal and cardiac abnormalities. Last evaluated: 2023-05-20. Review status: criteria provided, single submitter. Criteria: ACMG Guidelines, 2015. Collection method: clinical testing. Allele origin: germline. Inheritance: Autosomal dominant inheritance. Affected: yes.
Comment: The observed missense c.1892C>T(p.Ala631Val) variant in ZMYM2 gene has not been reported previously as a pathogenic variant nor a benign variant, to our knowledge. The p.Ala631Val variant has been reported with allele frequency of 0.0004% in gnomAD Exomes. This variant has not been submitted to the ClinVar database. Multiple lines of computational evidences (Polyphen - Benign, SIFT - Tolerated and MutationTaster - Disease causing) predict conflicting evidence on protein structure and function for this variant. The amino acid change p.Ala631Val in ZMYM2 is predicted as conserved by GERP++ and PhyloP across 100 vertebrates. The amino acid Ala at position 631 is changed to a Val changing protein sequence and it might alter its composition and physico-chemical properties. For these reasons, this variant has been classified as a Variant of Uncertain Significance (VUS).